The following is an entry in ClinVar:

ClinVar aggregate classification (germline): Uncertain significance (1 of 4 stars; one submission).

Conditions:
Inborn genetic diseases. Identifiers: MedGen C0950123, MeSH D030342.

Submission:

Ambry Genetics
Classification: Uncertain significance for Inborn genetic diseases. Last evaluated: 2021-11-06. Review status: criteria provided, single submitter. Criteria: Ambry Variant Classification Scheme 2023. Collection method: clinical testing. Allele origin: germline.
Comment: The p.E214G variant (also known as c.641A>G), located in coding exon 6 of the BUB1B gene, results from an A to G substitution at nucleotide position 641. The glutamic acid at codon 214 is replaced by glycine, an amino acid with similar properties. This amino acid position is conserved. In addition, this alteration is predicted to be tolerated by in silico analysis. Since supporting evidence is limited at this time, the clinical significance of this alteration remains unclear.

NM_001211.6(BUB1B):c.641A>G (p.Glu214Gly)

Gene: BUB1B (BUB1 mitotic checkpoint serine/threonine kinase B; plus strand). Cytogenetic location: 15q15.1.
Variant type: single nucleotide variant.
Coding change: c.641A>G on transcript NM_001211.6 (MANE Select); coding-DNA position 641, A replaced by G.
Protein change: p.Glu214Gly; replaces glutamic acid 214 with glycine.
Molecular consequence: missense variant.
Genome position (GRCh38, 1-based): chr15:40,183,773, A>G. VCF-style: chr15-40183773-A-G. GRCh37 (hg19) VCF-style: chr15-40475974-A-G.
Other names: short protein forms E214G.
Identifiers: ClinVar variation 1753418 (VCV001753418.2), dbSNP rs2542533398, ClinGen allele CA391683301.